The following is an entry in ClinVar:

NM_007294.4(BRCA1):c.4597G>A (p.Asp1533Asn)

Gene: BRCA1 (BRCA1 DNA repair associated; minus strand). Cytogenetic location: 17q21.31.
Variant type: single nucleotide variant.
Coding change: c.4597G>A on transcript NM_007294.4 (MANE Select); coding-DNA position 4597, G replaced by A.
Protein change: p.Asp1533Asn; replaces aspartic acid 1533 with asparagine.
Molecular consequence: missense variant. On other transcripts: non-coding transcript variant (1).
Genome position (GRCh38, 1-based): chr17:43,074,409, C>T on the plus strand (G>A on the coding strand, the complement: BRCA1 is on the minus strand). VCF-style: chr17-43074409-C-T. GRCh37 (hg19) VCF-style: chr17-41226426-C-T.
Other names: c.4453G>A, p.Asp1485Asn (NM_001407737.1, NM_001407740.1, NM_001407742.1 and 21 more transcripts); c.4384G>A, p.Asp1462Asn (NM_001407571.1, NM_001407894.1, NM_001407895.1 and 12 more transcripts); c.4663G>A, p.Asp1555Asn (NM_001407581.1, NM_001407582.1); c.4660G>A, p.Asp1554Asn (NM_001407583.1, NM_001407585.1, NM_001407587.1 and 1 more transcripts); c.4657G>A, p.Asp1553Asn (NM_001407590.1, NM_001407591.1); c.4597G>A, p.Asp1533Asn (NM_001407593.1, NM_001407594.1, NM_001407596.1 and 8 more transcripts); c.4594G>A, p.Asp1532Asn (NM_001407610.1, NM_001407611.1, NM_001407612.1 and 17 more transcripts); c.4591G>A, p.Asp1531Asn (NM_001407627.1, NM_001407628.1, NM_001407629.1 and 14 more transcripts); and 68 more; short protein forms D1529N, D1531N, D302N, D340N, D341N, D342N, D362N, D363N.
Identifiers: ClinVar variation 441499 (VCV000441499.21), dbSNP rs899108857, ClinGen allele CA10592321.

ClinVar aggregate classification (germline): Uncertain significance. Review status: criteria provided, multiple submitters, no conflicts (2 of 4 stars). 3 submissions from 3 submitters: Uncertain significance (3). Last evaluated 2025-05-06.

Conditions:
Hereditary cancer-predisposing syndrome. Also called: Hereditary Cancer Syndrome; Hereditary neoplastic syndrome; Neoplastic Syndromes, Hereditary; Tumor predisposition. Identifiers: Orphanet 140162, MedGen C0027672, MeSH D009386, MONDO:0015356.
Hereditary breast ovarian cancer syndrome. Also called: Hereditary breast and ovarian cancer; Breast and ovarian cancer; Hereditary breast and ovarian cancer syndrome; Hereditary breast and/or ovarian cancer syndrome; BRCA1- and BRCA2-Associated Hereditary Breast and Ovarian Cancer; Hereditary breast and ovarian cancer syndrome (HBOC). Identifiers: Orphanet 145, MedGen C0677776, MeSH D061325, MONDO:0003582. Disease mechanism: loss of function.

Submissions (3):

Ambry Genetics
Classification: Uncertain significance for Hereditary cancer-predisposing syndrome. Last evaluated: 2025-05-06. Review status: criteria provided, single submitter. Criteria: Ambry Variant Classification Scheme 2023. Collection method: clinical testing. Allele origin: germline.
Comment: The p.D1533N variant (also known as c.4597G>A), located in coding exon 13 of the BRCA1 gene, results from a G to A substitution at nucleotide position 4597. The aspartic acid at codon 1533 is replaced by asparagine, an amino acid with highly similar properties. This amino acid position is not well conserved in available vertebrate species. In addition, this alteration is predicted to be tolerated by in silico analysis. Since supporting evidence is limited at this time, the clinical significance of this alteration remains unclear.

Labcorp Genetics (formerly Invitae), Labcorp
Classification: Uncertain significance for Hereditary breast ovarian cancer syndrome. Last evaluated: 2020-06-16. Review status: criteria provided, single submitter. Criteria: Invitae Variant Classification Sherloc (09022015). Collection method: clinical testing. Allele origin: germline.
Comment: In summary, the available evidence is currently insufficient to determine the role of this variant in disease. Therefore, it has been classified as a Variant of Uncertain Significance. This sequence change replaces aspartic acid with asparagine at codon 1533 of the BRCA1 protein (p.Asp1533Asn). The aspartic acid residue is moderately conserved and there is a small physicochemical difference between aspartic acid and asparagine. This variant is not present in population databases (ExAC no frequency). This variant has not been reported in the literature in individuals with BRCA1-related conditions. ClinVar contains an entry for this variant (Variation ID: 441499). Algorithms developed to predict the effect of missense changes on protein structure and function are either unavailable or do not agree on the potential impact of this missense change (SIFT: "Tolerated"; PolyPhen-2: "Possibly Damaging"; Align-GVGD: "Class C0").

Color Diagnostics, LLC DBA Color Health
Classification: Uncertain significance for Hereditary cancer-predisposing syndrome. Last evaluated: 2020-04-06. Review status: criteria provided, single submitter. Criteria: ACMG Guidelines, 2015. Collection method: clinical testing. Allele origin: germline.
Comment: This missense variant replaces aspartic acid with asparagine at codon 1533 of the BRCA1 protein. Computational prediction suggests that this variant may not impact protein structure and function (internally defined REVEL score threshold <= 0.5, PMID: 27666373). To our knowledge, functional studies have not been reported for this variant. This variant has not been reported in individuals affected with hereditary cancer in the literature. This variant has not been identified in the general population by the Genome Aggregation Database (gnomAD). The available evidence is insufficient to determine the role of this variant in disease conclusively. Therefore, this variant is classified as a Variant of Uncertain Significance.